The following is an entry in ClinVar:

NM_004525.3(LRP2):c.3690C>A (p.Cys1230Ter)

Gene: LRP2 (LDL receptor related protein 2; minus strand). Cytogenetic location: 2q31.1.
Variant type: single nucleotide variant.
Coding change: c.3690C>A on transcript NM_004525.3 (MANE Select); coding-DNA position 3690, C replaced by A.
Protein change: p.Cys1230Ter; replaces cysteine 1230 with a stop codon.
Molecular consequence: nonsense.
Genome position (GRCh38, 1-based): chr2:169,241,343, G>T on the plus strand (C>A on the coding strand, the complement: LRP2 is on the minus strand). VCF-style: chr2-169241343-G-T. GRCh37 (hg19) VCF-style: chr2-170097853-G-T.
Other names: short protein forms C1230*.
Identifiers: ClinVar variation 3902319 (VCV003902319.1).

ClinVar aggregate classification (germline): Pathogenic (1 of 4 stars; one submission).

Conditions:
Donnai-Barrow syndrome. Also called: DBS/FOAR SYNDROME; FACIOOCULOACOUSTICORENAL SYNDROME. Identifiers: Orphanet 2143, MedGen C1857277, MONDO:0009104, OMIM 222448.

Submission:

Women's Health and Genetics/Laboratory Corporation of America, LabCorp
Classification: Pathogenic for Donnai-Barrow syndrome. Last evaluated: 2025-05-12. Review status: criteria provided, single submitter. Criteria: LabCorp Variant Classification Summary - May 2015. Collection method: clinical testing. Allele origin: germline.
Comment: Variant summary: LRP2 c.3690C>A (p.Cys1230X) results in a premature termination codon, predicted to cause a truncation of the encoded protein or absence of the protein due to nonsense mediated decay, which are commonly known mechanisms for disease. The variant was absent in 251408 control chromosomes. To our knowledge, no occurrence of c.3690C>A in individuals affected with Donnai Barrow Syndrome and no experimental evidence demonstrating its impact on protein function have been reported. No submitters have cited clinical-significance assessments for this variant to ClinVar. Based on the evidence outlined above, the variant was classified as pathogenic.